The following is an entry in ClinVar:

ClinVar aggregate classification (germline): Likely pathogenic. Review status: criteria provided, multiple submitters, no conflicts (2 of 4 stars). 3 submissions from 3 submitters: Likely pathogenic (3). Last evaluated 2025-06-27.

Conditions:
Inborn genetic diseases. Identifiers: MedGen C0950123, MeSH D030342.
Familial hemiplegic migraine. Identifiers: MedGen C0338484, MONDO:0000700.

Allele frequency attached by ClinVar (database versions not stated): gnomAD exomes below 0.00001.
gnomAD v4.1: 2 of 1,614,098 alleles (0.00012%); highest among the groups gnomAD compares: Non-Finnish European, 0.000085%; no homozygotes.

Submissions (3):

GeneDx
Classification: Likely pathogenic. Last evaluated: 2025-06-27. Review status: criteria provided, single submitter. Criteria: GeneDx Variant Classification Process June 2021. Collection method: clinical testing. Allele origin: germline. Affected: yes.
Comment: Not observed at significant frequency in large population cohorts (gnomAD); In silico analysis supports that this missense variant has a deleterious effect on protein structure/function; Has not been previously published as pathogenic or benign to our knowledge; This variant is associated with the following publications: (PMID: 16088919, 18728015, 24704353, 19458722, 29867740, 24921013)

Labcorp Genetics (formerly Invitae), Labcorp
Classification: Likely pathogenic for Familial hemiplegic migraine. Last evaluated: 2024-02-24. Review status: criteria provided, single submitter. Criteria: Invitae Variant Classification Sherloc (09022015). Collection method: clinical testing. Allele origin: germline.
Comment: This sequence change replaces arginine, which is basic and polar, with histidine, which is basic and polar, at codon 937 of the ATP1A2 protein (p.Arg937His). This variant is not present in population databases (gnomAD no frequency). This missense change has been observed in individual(s) with clinical features of familial hemiplegic migraine (Invitae). ClinVar contains an entry for this variant (Variation ID: 521207). Advanced modeling of protein sequence and biophysical properties (such as structural, functional, and spatial information, amino acid conservation, physicochemical variation, residue mobility, and thermodynamic stability) performed at Invitae indicates that this missense variant is expected to disrupt ATP1A2 protein function with a positive predictive value of 80%. This variant disrupts the p.Arg937 amino acid residue in ATP1A2. Other variant(s) that disrupt this residue have been observed in individuals with ATP1A2-related conditions (PMID: 16088919, 29867740), which suggests that this may be a clinically significant amino acid residue. In summary, the currently available evidence indicates that the variant is pathogenic, but additional data are needed to prove that conclusively. Therefore, this variant has been classified as Likely Pathogenic.

Ambry Genetics
Classification: Likely pathogenic for Inborn genetic diseases. Last evaluated: 2017-02-22. Review status: criteria provided, single submitter. Criteria: Ambry Variant Classification Scheme 2023. Collection method: clinical testing. Allele origin: germline.
Comment: The p.R937H variant (also known as c.2810G>A), located in coding exon 20 of the ATP1A2 gene, results from a G to A substitution at nucleotide position 2810. The arginine at codon 937 is replaced by histidine, an amino acid with highly similar properties. This variant has been determined to be the result of a de novo mutation or germline mosaicism in one family with an isolated case of ATP1A2-related epilepsy. This alteration is located in the cation ATPase C domain and is indicated to be structurally deleterious (Ambry internal data; Shinoda T et al. Nature, 2009 May;459:446-50; Spiller S et al. World J Biol Chem, 2014 May;5:240-53). This amino acid position is highly conserved in available vertebrate species. In addition, this alteration is predicted to be deleterious by in silico analysis. Based on the majority of available evidence to date, this variant is likely to be pathogenic.

Literature cited by the submitters: PubMed 16088919 (cited by Labcorp Genetics (formerly Invitae), Labcorp); PubMed 29867740 (cited by Labcorp Genetics (formerly Invitae), Labcorp); PubMed 19458722 (cited by Ambry Genetics); PubMed 24921013 (cited by Ambry Genetics).

NM_000702.4(ATP1A2):c.2810G>A (p.Arg937His)

Gene: ATP1A2 (ATPase Na+/K+ transporting subunit alpha 2; plus strand). Cytogenetic location: 1q23.2.
Variant type: single nucleotide variant.
Coding change: c.2810G>A on transcript NM_000702.4 (MANE Select); coding-DNA position 2810, G replaced by A.
Protein change: p.Arg937His; replaces arginine 937 with histidine.
Molecular consequence: missense variant.
Genome position (GRCh38, 1-based): chr1:160,137,001, G>A. VCF-style: chr1-160137001-G-A. GRCh37 (hg19) VCF-style: chr1-160106791-G-A.
Other names: short protein forms R937H.
Identifiers: ClinVar variation 521207 (VCV000521207.13), dbSNP rs1553245943, ClinGen allele CA343252811.